The following is an entry in ClinVar:

NM_199420.4(POLQ):c.3015G>T (p.Gln1005His)

Gene: POLQ (DNA polymerase theta; minus strand). Cytogenetic location: 3q13.33.
Variant type: single nucleotide variant.
Coding change: c.3015G>T on transcript NM_199420.4 (MANE Select); coding-DNA position 3015, G replaced by T.
Protein change: p.Gln1005His; replaces glutamine 1005 with histidine.
Molecular consequence: missense variant.
Genome position (GRCh38, 1-based): chr3:121,489,916, C>A on the plus strand (G>T on the coding strand, the complement: POLQ is on the minus strand). VCF-style: chr3-121489916-C-A. GRCh37 (hg19) VCF-style: chr3-121208763-C-A.
Other names: short protein forms Q1005H.
Identifiers: ClinVar variation 2625839 (VCV002625839.2), dbSNP rs2546787911, ClinGen allele CA354103443.

ClinVar aggregate classification (germline): Uncertain significance (1 of 4 stars; one submission).

Submission:

Ambry Genetics
Classification: Uncertain significance. Last evaluated: 2023-07-26. Review status: criteria provided, single submitter. Criteria: Ambry Variant Classification Scheme 2023. Collection method: clinical testing. Allele origin: germline.
Comment: The p.Q1005H variant (also known as c.3015G>T), located in coding exon 16 of the POLQ gene, results from a G to T substitution at nucleotide position 3015. The glutamine at codon 1005 is replaced by histidine, an amino acid with highly similar properties. This amino acid position is conserved. In addition, this alteration is predicted to be tolerated by in silico analysis. Since supporting evidence is limited at this time, the clinical significance of this alteration remains unclear.